The following is an entry in ClinVar:

ClinVar aggregate classification (germline): Likely benign (1 of 4 stars; one submission).

gnomAD v4.1: 37 of 1,613,826 alleles (0.0023%); highest among the groups gnomAD compares: African/African-American, 0.041%; no homozygotes.

Submission:

CeGaT Center for Human Genetics Tuebingen
Classification: Likely benign. Last evaluated: 2024-07-01. Review status: criteria provided, single submitter. Criteria: CeGaT Center For Human Genetics Tuebingen Variant Classification Criteria Version 2. Collection method: clinical testing. Allele origin: germline. Affected: yes. Observed: 1 variant allele.
Comment: ADGRL3: BP4, BP7

NM_001387552.1(ADGRL3):c.1638T>C (p.Asp546=)

Gene: ADGRL3 (adhesion G protein-coupled receptor L3; plus strand). Cytogenetic location: 4q13.1.
Variant type: single nucleotide variant.
Coding change: c.1638T>C on transcript NM_001387552.1 (MANE Select); coding-DNA position 1638, T replaced by C.
Protein change: p.Asp546=; no amino-acid change (aspartic acid 546 retained).
Molecular consequence: synonymous variant.
Genome position (GRCh38, 1-based): chr4:61,892,813, T>C. VCF-style: chr4-61892813-T-C. GRCh37 (hg19) VCF-style: chr4-62758531-T-C.
Other names: c.1434T>C, p.Asp478= (NM_001322246.3, NM_001387528.1, NM_001387529.1 and 7 more transcripts); c.1638T>C, p.Asp546= (NM_001322402.3, NM_001371344.2, NM_001371345.2 and 2 more transcripts); c.1419T>C, p.Asp473= (NM_001371342.1, NM_001371346.2, NM_001387526.1 and 11 more transcripts); c.1623T>C, p.Asp541= (NM_001371343.2, NM_001387523.1, NM_001387524.1 and 1 more transcripts); c.1356T>C, p.Asp452= (NM_001387541.1); c.1137T>C, p.Asp379= (NM_001387543.1, NM_001387544.1).
Identifiers: ClinVar variation 3257258 (VCV003257258.17).